The following is an entry in ClinVar:

NM_006941.4(SOX10):c.665_666del (p.Pro222fs)

Genes: POLR2F (RNA polymerase II, I and III subunit F; plus strand), SOX10 (SRY-box transcription factor 10; minus strand). Cytogenetic location: 22q13.1.
Variant type: Deletion.
Coding change: c.665_666del on transcript NM_006941.4 (MANE Select); coding-DNA positions 665 to 666, 2 bases deleted (CC; older notation c.665_666delCC).
Protein change: p.Pro222fs; shifts the reading frame from proline 222.
Molecular consequence: frameshift variant. On other transcripts: intron variant (3).
Genome position (GRCh38, 1-based): chr22:37,977,898-37,977,899, GG deleted on the plus strand (CC on the coding strand, the reverse complement: SOX10 is on the minus strand); deleting any 2 consecutive bases within chr22:37,977,898-37,977,902 gives the same sequence; the c. name uses the placement nearest the transcript's 3' end. VCF-style (leftmost placement, unchanged base first): chr22-37977897-TGG-T. GRCh37 (hg19) VCF-style: chr22-38373904-TGG-T.
Other names: c.*38+5591_*38+5592del (NM_001363825.1); c.294-8253_294-8252del (NM_001301130.2); c.293+10731_293+10732del (NM_001301131.2); short protein forms P222fs.
Identifiers: ClinVar variation 3601848 (VCV003601848.1).

ClinVar aggregate classification (germline): Pathogenic (1 of 4 stars; one submission).

Conditions:
Waardenburg syndrome type 4C (WS4C). Also called: WAARDENBURG SYNDROME WITH HIRSCHSPRUNG DISEASE, TYPE 4C. Identifiers: Orphanet 897, MedGen C2750452, MONDO:0013202, OMIM 613266.

Submission:

Institute of Rare Diseases, West China Hospital, Sichuan University
Classification: Pathogenic for Waardenburg syndrome type 4C. Last evaluated: 2025-01-09. Review status: criteria provided, single submitter. Criteria: ClinGen HL ACMG Specifications v1. Collection method: research. Allele origin: germline. Affected: yes.
Comment: PVS1;PS2;PP4;PM2_Supporting